The following is an entry in ClinVar:

ClinVar aggregate classification (germline): Likely benign (0 of 4 stars; one submission).

Conditions:
MPI-related disorder. Also called: MPI-related condition.

Submission:

PreventionGenetics, part of Exact Sciences
Classification: Likely benign for MPI-related condition. Last evaluated: 2019-12-26. Review status: no assertion criteria provided. Collection method: clinical testing. Allele origin: germline.
Comment: This variant is classified as likely benign based on ACMG/AMP sequence variant interpretation guidelines (Richards et al. 2015 PMID: 25741868, with internal and published modifications).

NM_002435.3(MPI):c.145T>C (p.Leu49=)

Gene: MPI (mannose phosphate isomerase; plus strand). Cytogenetic location: 15q24.1.
Variant type: single nucleotide variant.
Coding change: c.145T>C on transcript NM_002435.3 (MANE Select); coding-DNA position 145, T replaced by C.
Protein change: p.Leu49=; no amino-acid change (leucine 49 retained).
Molecular consequence: synonymous variant. On other transcripts: 5 prime UTR variant (1).
Genome position (GRCh38, 1-based): chr15:74,891,379, T>C. VCF-style: chr15-74891379-T-C. GRCh37 (hg19) VCF-style: chr15-75183720-T-C.
Other names: c.145T>C, p.Leu49= (NM_001289155.2, NM_001289157.2); c.-6T>C (NM_001289156.2); c.85T>C, p.Leu29= (NM_001330372.2).
Identifiers: ClinVar variation 3035984 (VCV003035984.2), dbSNP rs926396606, ClinGen allele CA272822298.
Genomic context (GRCh38, chr15:74,891,379, plus strand): 5'-GGCCAACTCAGGGTGGCAGGTTTCTTCCCCCTTCCCCTCCCAAGTTTCCTGTCTTTCCAG[T>C]TGTGGATGGGGACTCACCCCCGAGGGGATGCCAAGATCCTTGACAACCGCATCTCACAGA-3'
Protein context (NP_002426.1, residues 39-59): QIAEDKPYAE[Leu49=]WMGTHPRGDA